The following is an entry in ClinVar:

ClinVar aggregate classification (germline): Pathogenic. Review status: criteria provided, multiple submitters, no conflicts (2 of 4 stars). 2 submissions from 2 submitters: Pathogenic (2). Last evaluated 2019-11-01.

Conditions:
Hereditary cancer-predisposing syndrome. Also called: Hereditary Cancer Syndrome; Neoplastic Syndromes, Hereditary; Hereditary neoplastic syndrome; Tumor predisposition. Identifiers: Orphanet 140162, MedGen C0027672, MeSH D009386, MONDO:0015356.
Cardiovascular phenotype. Identifiers: MedGen CN230736.
Neurofibromatosis, type 1 (NF1). Also called: Peripheral type neurofibromatosis; Neurofibromatosis, type I; NEUROFIBROMATOSIS, TYPE I, SOMATIC; VON RECKLINGHAUSEN DISEASE. Identifiers: Orphanet 636, MedGen C0027831, MONDO:0018975, OMIM 162200. Disease mechanism: loss of function.

Submissions (2):

Ambry Genetics
Classification: Pathogenic for Cardiovascular phenotype; Hereditary cancer-predisposing syndrome. Last evaluated: 2019-11-01. Review status: criteria provided, single submitter. Criteria: Ambry Variant Classification Scheme 2023. Collection method: clinical testing. Allele origin: germline.
Comment: The c.875delA pathogenic mutation, located in coding exon 8 of the NF1 gene, results from a deletion of one nucleotide at nucleotide position 875, causing a translational frameshift with a predicted alternate stop codon (p.N292Tfs*3). This alteration is expected to result in loss of function by premature protein truncation or nonsense-mediated mRNA decay. As such, this alteration is interpreted as a disease-causing mutation.

Juno Genomics, Hangzhou Juno Genomics, Inc
Classification: Pathogenic for Neurofibromatosis, type 1. Review status: criteria provided, single submitter. Criteria: ACMG Guidelines, 2015. Collection method: clinical testing. Allele origin: germline. Affected: yes.
Comment: Absent from controls (or at extremely low frequency if recessive) in Genome Aggregation Database, Exome Sequencing Project, 1000 Genomes Project, or Exome Aggregation Consortium.;Null variant in a gene where loss of function (LOF) is a known mechanism of disease.;Patient's phenotype or family history is highly specific for a disease with a single genetic etiology.;Assumed de novo, but without confirmation of paternity and maternity.

NM_001042492.3(NF1):c.875del (p.Asn292fs)

Gene: NF1 (neurofibromin 1; plus strand). Cytogenetic location: 17q11.2.
Variant type: Deletion.
Coding change: c.875del on transcript NM_001042492.3 (MANE Select); coding-DNA position 875, one base deleted (A; older notation c.875delA).
Protein change: p.Asn292fs; shifts the reading frame from asparagine 292.
Molecular consequence: frameshift variant.
Genome position (GRCh38, 1-based): chr17:31,182,652, A deleted; the last of 4 consecutive A bases (chr17:31,182,649-31,182,652); deleting any one gives the same sequence. VCF-style (leftmost placement, unchanged base first): chr17-31182648-GA-G. GRCh37 (hg19) VCF-style: chr17-29509666-GA-G.
Other names: c.875delA, p.Asn292Thrfs (NM_000267.4); c.875del, p.Asn292fs (NM_001128147.3); c.875delA (NM_000267.3); short protein forms N292fs.
Identifiers: ClinVar variation 822712 (VCV000822712.6), dbSNP rs1597660090, ClinGen allele CA645571207.